The following is an entry in ClinVar:

ClinVar aggregate classification (germline): Uncertain significance (1 of 4 stars; one submission).

Submission:

GeneDx
Classification: Uncertain significance. Last evaluated: 2024-04-17. Review status: criteria provided, single submitter. Criteria: GeneDx Variant Classification Process June 2021. Collection method: clinical testing. Allele origin: germline. Affected: yes.
Comment: Not observed at significant frequency in large population cohorts (gnomAD); In silico analysis supports that this missense variant has a deleterious effect on protein structure/function; Has not been previously published as pathogenic or benign to our knowledge

NM_000836.4(GRIN2D):c.583C>A (p.Pro195Thr)

Gene: GRIN2D (glutamate ionotropic receptor NMDA type subunit 2D; plus strand). Cytogenetic location: 19q13.33.
Variant type: single nucleotide variant.
Coding change: c.583C>A on transcript NM_000836.4 (MANE Select); coding-DNA position 583, C replaced by A.
Protein change: p.Pro195Thr; replaces proline 195 with threonine.
Molecular consequence: missense variant.
Genome position (GRCh38, 1-based): chr19:48,404,851, C>A. VCF-style: chr19-48404851-C-A. GRCh37 (hg19) VCF-style: chr19-48908108-C-A.
Other names: short protein forms P195T.
Identifiers: ClinVar variation 3372173 (VCV003372173.1).